The following is an entry in ClinVar:

ClinVar aggregate classification (germline): Pathogenic (0 of 4 stars; one submission).

Conditions:
Steinert myotonic dystrophy syndrome (DM1). Also called: STEINERT DISEASE; Myotonic dystrophy type 1; Dystrophia myotonica type 1; Steinert myotonic dystrophy; Steinert's disease. Identifiers: Orphanet 273, MedGen C3250443, MONDO:0008056, OMIM 160900.

Submission:

Institute of Molecular, Cell and Systems Biology, University of Glasgow
Classification: Pathogenic for Steinert myotonic dystrophy syndrome. Review status: no assertion criteria provided. Criteria: research. Collection method: research. Allele origin: germline. Inheritance: Autosomal dominant inheritance. Affected: no. Observed: 1 heterozygote.
Comment: DMPK CTG repeat expansions greater than approximately 45-50 repeats are assumed to be pathogenic

This record is based on data published in PubMed 25052313, which reports only ClinVar accessions SCV000120188 and SCV000120189. The complete data set includes SCV000207445 - SCV000207579.

Literature cited by the submitters: PubMed 1346923; PubMed 1546326; PubMed 25052313.

NM_004409.5(DMPK):c.*224CTG[307]

Genes: DM1-AS (DM1 locus antisense RNA; plus strand), DMPK (DM1 protein kinase; minus strand), LOC107075317 (origin of replication in DMPK trinucleotide repeat region; plus strand), LOC109461477 (dystrophia myotonica protein kinase repeat instability region; plus strand). Cytogenetic location: 19q13.32.
Variant type: Microsatellite.
Coding change: c.*224CTG[307] on transcript NM_004409.5 (MANE Select); 307 copies in a row of the 3-base unit CTG starting at c.*224.
Molecular consequence: 3 prime UTR variant.
Genome position: GRCh38, VCF-style position (the base before the change): chr19:45,770,204. GRCh37 (hg19), VCF-style position (the base before the change): chr19:46,273,462.
Other names: DM1 CTG repeat expansion; c.*224CTG[307] (NM_001081560.3, NM_001288764.2, NM_001424165.1 and 1 more transcripts); c.*217CTG[307] (NM_001081562.3, NM_001288765.2, NM_001424162.1 and 2 more transcripts); c.*222_*224TGC[307] (NM_001081563.3); c.*369CTG[307] (NM_001288766.2, NM_001424164.1, NM_001424168.1).
Identifiers: ClinVar variation 187955 (VCV000187955.1), ClinGen allele CA915951757.